The following is an entry in ClinVar:

NM_001128840.3(CACNA1D):c.2210T>C (p.Ile737Thr)

Gene: CACNA1D (calcium voltage-gated channel subunit alpha1 D; plus strand). Cytogenetic location: 3p21.1.
Variant type: single nucleotide variant.
Coding change: c.2210T>C on transcript NM_001128840.3 (MANE Select); coding-DNA position 2210, T replaced by C.
Protein change: p.Ile737Thr; replaces isoleucine 737 with threonine.
Molecular consequence: missense variant.
Genome position (GRCh38, 1-based): chr3:53,726,988, T>C. VCF-style: chr3-53726988-T-C. GRCh37 (hg19) VCF-style: chr3-53761015-T-C.
Other names: c.2270T>C, p.Ile757Thr (NM_000720.4); c.2210T>C, p.Ile737Thr (NM_001128839.3); short protein forms I737T, I757T.
Identifiers: ClinVar variation 1416949 (VCV001416949.8), dbSNP rs2108742618, ClinGen allele CA353239240.

ClinVar aggregate classification (germline): Uncertain significance (1 of 4 stars; one submission).

Submission:

Labcorp Genetics (formerly Invitae), Labcorp
Classification: Uncertain significance. Last evaluated: 2021-03-26. Review status: criteria provided, single submitter. Criteria: Invitae Variant Classification Sherloc (09022015). Collection method: clinical testing. Allele origin: germline.
Comment: Algorithms developed to predict the effect of missense changes on protein structure and function (SIFT, PolyPhen-2, Align-GVGD) all suggest that this variant is likely to be disruptive, but these predictions have not been confirmed by published functional studies and their clinical significance is uncertain. This sequence change replaces isoleucine with threonine at codon 757 of the CACNA1D protein (p.Ile757Thr). The isoleucine residue is highly conserved and there is a moderate physicochemical difference between isoleucine and threonine. This variant is not present in population databases (ExAC no frequency). This variant has not been reported in the literature in individuals with CACNA1D-related conditions. In summary, the available evidence is currently insufficient to determine the role of this variant in disease. Therefore, it has been classified as a Variant of Uncertain Significance.